The following is an entry in ClinVar:

NC_000021.8:g.(?_35183279)_(35191627_?)del

Gene: ITSN1 (intersectin 1; plus strand). Cytogenetic location: 21q22.11.
Variant type: Deletion.
Identifiers: ClinVar variation 2423448 (VCV002423448.4).

ClinVar aggregate classification (germline): Pathogenic (1 of 4 stars; one submission).

Submission:

Labcorp Genetics (formerly Invitae), Labcorp
Classification: Pathogenic. Last evaluated: 2022-11-11. Review status: criteria provided, single submitter. Criteria: Invitae Variant Classification Sherloc (09022015). Collection method: clinical testing. Allele origin: germline.
Comment: For these reasons, this variant has been classified as Pathogenic. This variant has not been reported in the literature in individuals affected with ITSN1-related conditions. This variant is a gross deletion of the genomic region encompassing exon(s) 21-24 of the ITSN1 gene. This deletion is out-of-frame, and is expected to create a premature termination codon and result in an absent or disrupted protein product. Loss-of-function variants in ITSN1 are known to be pathogenic (PMID: 34707297).

Literature cited by the submitters: PubMed 34707297.